The following is an entry in ClinVar:

NM_000318.3(PEX2):c.222C>T (p.Ala74=)

Gene: PEX2 (peroxisomal biogenesis factor 2; minus strand). Cytogenetic location: 8q21.13.
Variant type: single nucleotide variant.
Coding change: c.222C>T on transcript NM_000318.3 (MANE Select); coding-DNA position 222, C replaced by T.
Protein change: p.Ala74=; no amino-acid change (alanine 74 retained).
Molecular consequence: synonymous variant.
Genome position (GRCh38, 1-based): chr8:76,983,957, G>A on the plus strand (C>T on the coding strand, the complement: PEX2 is on the minus strand). VCF-style: chr8-76983957-G-A. GRCh37 (hg19) VCF-style: chr8-77896193-G-A.
Other names: c.222C>T (NM_000318.2); c.222C>T, p.Ala74= (NM_001079867.2, NM_001172086.2, NM_001172087.2).
Identifiers: ClinVar variation 1666824 (VCV001666824.11), dbSNP rs370886270, ClinGen allele CA179988278.

ClinVar aggregate classification (germline): Likely benign. Review status: criteria provided, multiple submitters, no conflicts (2 of 4 stars). 3 submissions from 3 submitters: Likely benign (2). 1 of the submissions does not count toward it. Last evaluated 2026-01-18.

Conditions:
Peroxisome biogenesis disorder 5A (Zellweger) (PBD5A). Identifiers: Orphanet 912, MedGen C3553940, MONDO:0013932, OMIM 614866.
PEX2-related disorder. Also called: PEX2-related condition.

Allele frequency attached by ClinVar (database versions not stated): gnomAD exomes 0.00001; TOPMed 0.00002; gnomAD 0.00004 and 0.00005.
gnomAD v4.1: 16 of 1,614,002 alleles (0.00099%); highest among the groups gnomAD compares: African/African-American, 0.015%; no homozygotes.

Submissions (3):

Labcorp Genetics (formerly Invitae), Labcorp
Classification: Likely benign for Peroxisome biogenesis disorder 5A (Zellweger). Last evaluated: 2026-01-18. Review status: criteria provided, single submitter. Criteria: Invitae Variant Classification Sherloc (09022015). Collection method: clinical testing. Allele origin: germline.

Blueprint Genetics
Classification: Likely benign. Last evaluated: 2022-12-30. Review status: criteria provided, single submitter. Criteria: ACMG Guidelines, 2015. Collection method: clinical testing. Allele origin: germline.

PreventionGenetics, part of Exact Sciences
Classification: Likely benign for PEX2-related condition. Last evaluated: 2023-10-31. Review status: no assertion criteria provided. Collection method: clinical testing. Allele origin: germline. Not counted in ClinVar's aggregate classification.
Comment: This variant is classified as likely benign based on ACMG/AMP sequence variant interpretation guidelines (Richards et al. 2015 PMID: 25741868, with internal and published modifications).